The following is an entry in ClinVar:

NM_001127222.2(CACNA1A):c.4221C>T (p.Asp1407=)

Genes: CACNA1A (calcium voltage-gated channel subunit alpha1 A; minus strand), LOC126862864 (MED14-independent group 3 enhancer GRCh37_chr19:13371552-13372751; plus strand). Cytogenetic location: 19p13.13.
Variant type: single nucleotide variant.
Coding change: c.4221C>T on transcript NM_001127222.2 (MANE Select); coding-DNA position 4221, C replaced by T.
Protein change: p.Asp1407=; no amino-acid change (aspartic acid 1407 retained).
Molecular consequence: synonymous variant.
Genome position (GRCh38, 1-based): chr19:13,261,479, G>A on the plus strand (C>T on the coding strand, the complement: CACNA1A is on the minus strand). VCF-style: chr19-13261479-G-A. GRCh37 (hg19) VCF-style: chr19-13372293-G-A.
Other names: c.4233C>T, p.Asp1411= (NM_000068.4, NM_023035.3); c.4224C>T, p.Asp1408= (NM_001127221.2, NM_001174080.2); c.4221C>T (NM_001127222.1).
Identifiers: ClinVar variation 283176 (VCV000283176.49), dbSNP rs201200430, ClinGen allele CA9240062.

ClinVar aggregate classification (germline): Conflicting classifications of pathogenicity. Review status: criteria provided, conflicting classifications (1 of 4 stars). 8 submissions from 8 submitters: Uncertain significance (1); Benign (3); Likely benign (3). 1 of the submissions does not count toward it. Last evaluated 2026-09-01.

Conditions:
CACNA1A-related disorder. Also called: CACNA1A-related condition.
Developmental and epileptic encephalopathy, 42 (DEE42A). Also called: Epileptic encephalopathy, early infantile, 42; EPILEPTIC ENCEPHALOPATHY, EARLY INFANTILE, 42A; DEVELOPMENTAL AND EPILEPTIC ENCEPHALOPATHY 42A. Identifiers: MedGen C4310716, MONDO:0014917, OMIM 617106.
Episodic ataxia type 2 (EA2). Also called: ATAXIA, EPISODIC, WITH NYSTAGMUS; ATAXIA, FAMILIAL PAROXYSMAL; CEREBELLAR ATAXIA, PAROXYSMAL, ACETAZOLAMIDE-RESPONSIVE; ACETAZOLAMIDE-RESPONSIVE HEREDITARY PAROXYSMAL CEREBELLAR ATAXIA; CEREBELLOPATHY, HEREDITARY PAROXYSMAL; EPISODIC ATAXIA, NYSTAGMUS-ASSOCIATED. Identifiers: Orphanet 97, MedGen C1720416, MONDO:0007163, OMIM 108500.
Inborn genetic diseases. Identifiers: MedGen C0950123, MeSH D030342.

Allele frequency attached by ClinVar (database versions not stated): gnomAD exomes 0.00017 and 0.00046; gnomAD 0.00033 and 0.00034; 1000 Genomes Project 0.00040; TOPMed 0.00046; ESP Exome Variant Server 0.00048; ExAC 0.00050; 1000 Genomes Project 30x 0.00062.
gnomAD v4.1: 297 of 1,582,532 alleles (0.019%); highest among the groups gnomAD compares: Admixed American, 0.21%; 1 homozygote.

Submissions (8):

CeGaT Center for Human Genetics Tuebingen
Classification: Likely benign. Last evaluated: 2026-09-01. Review status: criteria provided, single submitter. Criteria: CeGaT Center For Human Genetics Tuebingen Variant Classification Criteria Version 2. Collection method: clinical testing. Allele origin: germline. Affected: yes. Observed: 11 variant alleles.
Comment: CACNA1A: BP4, BP7, BS1

Labcorp Genetics (formerly Invitae), Labcorp
Classification: Benign for Developmental and epileptic encephalopathy, 42; Episodic ataxia type 2. Last evaluated: 2026-02-03. Review status: criteria provided, single submitter. Criteria: Invitae Variant Classification Sherloc (09022015). Collection method: clinical testing. Allele origin: germline.

Blueprint Genetics
Classification: Likely benign. Last evaluated: 2024-11-06. Review status: criteria provided, single submitter. Criteria: ACMG Guidelines, 2015. Collection method: clinical testing. Allele origin: germline.

GeneDx
Classification: Benign. Last evaluated: 2019-04-22. Review status: criteria provided, single submitter. Criteria: GeneDx Variant Classification Process June 2021. Collection method: clinical testing. Allele origin: germline. Affected: yes.

Eurofins Ntd Llc (ga)
Classification: Uncertain significance. Last evaluated: 2017-10-24. Review status: criteria provided, single submitter. Criteria: EGL Classification Definitions 2015. Collection method: clinical testing. Allele origin: germline. Observed: 2 variant alleles, 2 heterozygotes.

Ambry Genetics
Classification: Likely benign for Inborn genetic diseases. Last evaluated: 2017-03-07. Review status: criteria provided, single submitter. Criteria: Ambry Variant Classification Scheme 2023. Collection method: clinical testing. Allele origin: germline.

Athena Diagnostics
Classification: Benign. Last evaluated: 2016-12-29. Review status: criteria provided, single submitter. Criteria: Athena Diagnostics Criteria. Collection method: clinical testing. Allele origin: germline.

PreventionGenetics, part of Exact Sciences
Classification: Likely benign for CACNA1A-related condition. Last evaluated: 2019-03-20. Review status: no assertion criteria provided. Collection method: clinical testing. Allele origin: germline. Not counted in ClinVar's aggregate classification.
Comment: This variant is classified as likely benign based on ACMG/AMP sequence variant interpretation guidelines (Richards et al. 2015 PMID: 25741868, with internal and published modifications).